The following is an entry in ClinVar:

NM_022166.4(XYLT1):c.1358G>A (p.Arg453Gln)

Gene: XYLT1 (xylosyltransferase 1; minus strand). Cytogenetic location: 16p12.3.
Variant type: single nucleotide variant.
Coding change: c.1358G>A on transcript NM_022166.4 (MANE Select); coding-DNA position 1358, G replaced by A.
Protein change: p.Arg453Gln; replaces arginine 453 with glutamine.
Molecular consequence: missense variant.
Genome position (GRCh38, 1-based): chr16:17,158,841, C>T on the plus strand (G>A on the coding strand, the complement: XYLT1 is on the minus strand). VCF-style: chr16-17158841-C-T. GRCh37 (hg19) VCF-style: chr16-17252698-C-T.
Other names: short protein forms R453Q.
Identifiers: ClinVar variation 1061571 (VCV001061571.6), dbSNP rs141079587, ClinGen allele CA7927939.

ClinVar aggregate classification (germline): Uncertain significance (1 of 4 stars; one submission).

Conditions:
Desbuquois dysplasia 1 (DBQD1). Also called: DESBUQUOIS DYSPLASIA 1, KIM VARIANT; MICROMELIC DWARFISM WITH VERTEBRAL AND METAPHYSEAL ABNORMALITIES AND ADVANCED CARPOTARSAL OSSIFICATION. Identifiers: Orphanet 1425, MedGen C4012146, MONDO:0009629, OMIM 251450.

Allele frequency attached by ClinVar (database versions not stated): TOPMed 0.00015; 1000 Genomes Project 30x 0.00016; 1000 Genomes Project 0.00020; gnomAD 0.00021 and 0.00023; ESP Exome Variant Server 0.00023; gnomAD exomes 0.00032 and 0.00051; ExAC 0.00056.
gnomAD v4.1: 502 of 1,613,998 alleles (0.031%); highest among the groups gnomAD compares: Non-Finnish European, 0.03%; no homozygotes.

Submission:

Labcorp Genetics (formerly Invitae), Labcorp
Classification: Uncertain significance for Desbuquois dysplasia 1. Last evaluated: 2024-11-06. Review status: criteria provided, single submitter. Criteria: Invitae Variant Classification Sherloc (09022015). Collection method: clinical testing. Allele origin: germline.
Comment: This sequence change replaces arginine, which is basic and polar, with glutamine, which is neutral and polar, at codon 453 of the XYLT1 protein (p.Arg453Gln). This variant is present in population databases (rs141079587, gnomAD 0.2%), and has an allele count higher than expected for a pathogenic variant. This variant has not been reported in the literature in individuals affected with XYLT1-related conditions. ClinVar contains an entry for this variant (Variation ID: 1061571). Invitae Evidence Modeling of protein sequence and biophysical properties (such as structural, functional, and spatial information, amino acid conservation, physicochemical variation, residue mobility, and thermodynamic stability) has been performed for this missense variant. However, the output from this modeling did not meet the statistical confidence thresholds required to predict the impact of this variant on XYLT1 protein function. In summary, the available evidence is currently insufficient to determine the role of this variant in disease. Therefore, it has been classified as a Variant of Uncertain Significance.